The following is an entry in ClinVar:

NM_000875.5(IGF1R):c.2987G>T (p.Arg996Leu)

Gene: IGF1R (insulin like growth factor 1 receptor; plus strand). Cytogenetic location: 15q26.3.
Variant type: single nucleotide variant.
Coding change: c.2987G>T on transcript NM_000875.5 (MANE Select); coding-DNA position 2987, G replaced by T.
Protein change: p.Arg996Leu; replaces arginine 996 with leucine.
Molecular consequence: missense variant.
Genome position (GRCh38, 1-based): chr15:98,934,854, G>T. VCF-style: chr15-98934854-G-T. GRCh37 (hg19) VCF-style: chr15-99478083-G-T.
Other names: c.2984G>T, p.Arg995Leu (NM_001291858.2); short protein forms R995L, R996L.
Identifiers: ClinVar variation 4872093 (VCV004872093.2).

ClinVar aggregate classification (germline): Uncertain significance (1 of 4 stars; one submission).

Submission:

CeGaT Center for Human Genetics Tuebingen
Classification: Uncertain significance. Last evaluated: 2026-05-01. Review status: criteria provided, single submitter. Criteria: CeGaT Center For Human Genetics Tuebingen Variant Classification Criteria Version 2. Collection method: clinical testing. Allele origin: germline. Affected: yes. Observed: 1 variant allele.
Comment: IGF1R: PM2